The following is an entry in ClinVar:

ClinVar aggregate classification (germline): Uncertain significance (1 of 4 stars; one submission).

Conditions:
Hereditary cancer-predisposing syndrome. Also called: Neoplastic Syndromes, Hereditary; Hereditary Cancer Syndrome; Tumor predisposition; Hereditary neoplastic syndrome. Identifiers: Orphanet 140162, MedGen C0027672, MeSH D009386, MONDO:0015356.

gnomAD v4.1: 3 of 1,613,220 alleles (0.00019%); highest among the groups gnomAD compares: Non-Finnish European, 0.00025%; no homozygotes.

Submission:

Ambry Genetics
Classification: Uncertain significance for Hereditary cancer-predisposing syndrome. Last evaluated: 2024-12-19. Review status: criteria provided, single submitter. Criteria: Ambry Variant Classification Scheme 2023. Collection method: clinical testing. Allele origin: germline.
Comment: The p.V280M variant (also known as c.838G>A), located in coding exon 9 of the SMARCE1 gene, results from a G to A substitution at nucleotide position 838. The valine at codon 280 is replaced by methionine, an amino acid with highly similar properties. This amino acid position is conserved. In addition, the in silico prediction for this alteration is inconclusive. Based on the available evidence, the clinical significance of this variant remains unclear.

NM_003079.5(SMARCE1):c.838G>A (p.Val280Met)

Gene: SMARCE1 (SWI/SNF related BAF chromatin remodeling complex subunit E1; minus strand). Cytogenetic location: 17q21.2.
Variant type: single nucleotide variant.
Coding change: c.838G>A on transcript NM_003079.5 (MANE Select); coding-DNA position 838, G replaced by A.
Protein change: p.Val280Met; replaces valine 280 with methionine.
Molecular consequence: missense variant.
Genome position (GRCh38, 1-based): chr17:40,630,903, C>T on the plus strand (G>A on the coding strand, the complement: SMARCE1 is on the minus strand). VCF-style: chr17-40630903-C-T. GRCh37 (hg19) VCF-style: chr17-38787155-C-T.
Other names: short protein forms V280M.
Identifiers: ClinVar variation 3799006 (VCV003799006.1).
Genomic context (GRCh38, chr17:40,630,903, plus strand): 5'-GCCTTTTGCGGGCCTGTTCCTCTGCCTGTGCAATCTCAGCTGCAATTTTCTCCATATCCA[C>T]TTCTACTTTCAGACCGCACAACTAATCAGAAAAAAACAGAACTCCGTAATGTTTTTTCCT-3'
Protein context (NP_003070.3, residues 270-290): LKRLCGLKVE[Val280Met]DMEKIAAEIA